The following is an entry in ClinVar:

NM_001903.5(CTNNA1):c.1474G>A (p.Glu492Lys)

Gene: CTNNA1 (catenin alpha 1; plus strand). Cytogenetic location: 5q31.2.
Variant type: single nucleotide variant.
Coding change: c.1474G>A on transcript NM_001903.5 (MANE Select); coding-DNA position 1474, G replaced by A.
Protein change: p.Glu492Lys; replaces glutamic acid 492 with lysine.
Molecular consequence: missense variant.
Genome position (GRCh38, 1-based): chr5:138,917,826, G>A. VCF-style: chr5-138917826-G-A. GRCh37 (hg19) VCF-style: chr5-138253515-G-A.
Other names: c.364G>A, p.Glu122Lys (NM_001324000.1, NM_001324001.1, NM_001324002.1 and 17 more transcripts); c.25G>A, p.Glu9Lys (NM_001324006.1, NM_001324007.1, NM_001324008.1 and 2 more transcripts); c.1474G>A, p.Glu492Lys (NM_001290307.3, NM_001323982.2, NM_001323983.1 and 2 more transcripts); c.1165G>A, p.Glu389Lys (NM_001290309.3); c.1105G>A, p.Glu369Lys (NM_001290310.3); c.1381G>A, p.Glu461Lys (NM_001323986.2); c.271G>A, p.Glu91Lys (NM_001324011.1); c.121G>A, p.Glu41Lys (NM_001324012.1, NM_001324013.1); short protein forms E369K, E389K, E461K, E91K, E9K, E122K, E41K, E492K.
Identifiers: ClinVar variation 2772211 (VCV002772211.3), dbSNP rs2533589808, ClinGen allele CA361137273.

ClinVar aggregate classification (germline): Uncertain significance (1 of 4 stars; one submission).

Submission:

Labcorp Genetics (formerly Invitae), Labcorp
Classification: Uncertain significance. Last evaluated: 2023-10-28. Review status: criteria provided, single submitter. Criteria: Invitae Variant Classification Sherloc (09022015). Collection method: clinical testing. Allele origin: germline.
Comment: This sequence change replaces glutamic acid, which is acidic and polar, with lysine, which is basic and polar, at codon 492 of the CTNNA1 protein (p.Glu492Lys). This variant is not present in population databases (gnomAD no frequency). This variant has not been reported in the literature in individuals affected with CTNNA1-related conditions. Advanced modeling of protein sequence and biophysical properties (such as structural, functional, and spatial information, amino acid conservation, physicochemical variation, residue mobility, and thermodynamic stability) has been performed at Invitae for this missense variant, however the output from this modeling did not meet the statistical confidence thresholds required to predict the impact of this variant on CTNNA1 protein function. In summary, the available evidence is currently insufficient to determine the role of this variant in disease. Therefore, it has been classified as a Variant of Uncertain Significance.